The following is an entry in ClinVar:

ClinVar aggregate classification (germline): Uncertain significance. Review status: criteria provided, multiple submitters, no conflicts (2 of 4 stars). 2 submissions from 2 submitters: Uncertain significance (2). Last evaluated 2025-11-05.

Allele frequency attached by ClinVar (database versions not stated): TOPMed 0.00003; ExAC 0.00004; gnomAD exomes 0.00005; ESP Exome Variant Server 0.00008.
gnomAD v4.1: 59 of 1,614,122 alleles (0.0037%); highest among the groups gnomAD compares: Middle Eastern, 0.016%; no homozygotes.

Submissions (2):

Mayo Clinic Laboratories, Mayo Clinic
Classification: Uncertain significance. Last evaluated: 2025-11-05. Review status: criteria provided, single submitter. Criteria: ACMG Guidelines, 2015. Collection method: clinical testing. Allele origin: germline. Observed: 2 variant alleles.
Comment: BP4

Labcorp Genetics (formerly Invitae), Labcorp
Classification: Uncertain significance. Last evaluated: 2022-07-06. Review status: criteria provided, single submitter. Criteria: Invitae Variant Classification Sherloc (09022015). Collection method: clinical testing. Allele origin: germline.
Comment: This sequence change replaces arginine, which is basic and polar, with tryptophan, which is neutral and slightly polar, at codon 1059 of the ADAMTS17 protein (p.Arg1059Trp). This variant is present in population databases (rs201387097, gnomAD 0.02%). This variant has not been reported in the literature in individuals affected with ADAMTS17-related conditions. ClinVar contains an entry for this variant (Variation ID: 1437728). Algorithms developed to predict the effect of missense changes on protein structure and function are either unavailable or do not agree on the potential impact of this missense change (SIFT: "Not Available"; PolyPhen-2: "Probably Damaging"; Align-GVGD: "Not Available"). In summary, the available evidence is currently insufficient to determine the role of this variant in disease. Therefore, it has been classified as a Variant of Uncertain Significance.

NM_139057.4(ADAMTS17):c.3175C>T (p.Arg1059Trp)

Gene: ADAMTS17 (ADAM metallopeptidase with thrombospondin type 1 motif 17; minus strand). Cytogenetic location: 15q26.3.
Variant type: single nucleotide variant.
Coding change: c.3175C>T on transcript NM_139057.4 (MANE Select); coding-DNA position 3175, C replaced by T.
Protein change: p.Arg1059Trp; replaces arginine 1059 with tryptophan.
Molecular consequence: missense variant.
Genome position (GRCh38, 1-based): chr15:99,974,515, G>A on the plus strand (C>T on the coding strand, the complement: ADAMTS17 is on the minus strand). VCF-style: chr15-99974515-G-A. GRCh37 (hg19) VCF-style: chr15-100514720-G-A.
Other names: p.Arg1059Trp; short protein forms R1059W.
Identifiers: ClinVar variation 1437728 (VCV001437728.4), dbSNP rs201387097, ClinGen allele CA7757441.